The following is an entry in ClinVar:

ClinVar aggregate classification (germline): Likely benign. Review status: criteria provided, single submitter (1 of 4 stars). 2 submissions from 2 submitters: Likely benign (1). 1 of the submissions does not count toward it. Last evaluated 2023-12-02.

Conditions:
Hereditary fructosuria. Also called: ALDOB DEFICIENCY; ALDOLASE B DEFICIENCY; FRUCTOSE-1,6-BISPHOSPHATE ALDOLASE B DEFICIENCY; FRUCTOSE-1-PHOSPHATE ALDOLASE DEFICIENCY; FRUCTOSEMIA; Hereditary fructose intolerance. Identifiers: Orphanet 469, MedGen C0016751, MONDO:0009249, OMIM 229600, HP:0005973. Disease mechanism: loss of function.
ALDOB-related disorder. Also called: ALDOB-related condition.

Allele frequency attached by ClinVar (database versions not stated): ExAC 0.00001; gnomAD exomes 0.00001; TOPMed 0.00003; gnomAD 0.00006; 1000 Genomes Project 30x 0.00016; 1000 Genomes Project 0.00020.
gnomAD v4.1: 19 of 1,614,160 alleles (0.0012%); highest among the groups gnomAD compares: Admixed American, 0.01%; no homozygotes.

Submissions (2):

Labcorp Genetics (formerly Invitae), Labcorp
Classification: Likely benign for Hereditary fructosuria. Last evaluated: 2023-12-02. Review status: criteria provided, single submitter. Criteria: Invitae Variant Classification Sherloc (09022015). Collection method: clinical testing. Allele origin: germline.

PreventionGenetics, part of Exact Sciences
Classification: Likely benign for ALDOB-related condition. Last evaluated: 2022-12-22. Review status: no assertion criteria provided. Collection method: clinical testing. Allele origin: germline. Not counted in ClinVar's aggregate classification.
Comment: This variant is classified as likely benign based on ACMG/AMP sequence variant interpretation guidelines (Richards et al. 2015 PMID: 25741868, with internal and published modifications).

NM_000035.4(ALDOB):c.800-7C>T

Gene: ALDOB (aldolase, fructose-bisphosphate B; minus strand). Cytogenetic location: 9q31.1.
Variant type: single nucleotide variant.
Coding change: c.800-7C>T on transcript NM_000035.4 (MANE Select); 7 bases into the intron before coding-DNA position 800, C replaced by T.
Molecular consequence: intron variant.
Genome position (GRCh38, 1-based): chr9:101,425,049, G>A on the plus strand (C>T on the coding strand, the complement: ALDOB is on the minus strand). VCF-style: chr9-101425049-G-A. GRCh37 (hg19) VCF-style: chr9-104187331-G-A.
Other names: c.800-7C>T (NM_000035.3).
Identifiers: ClinVar variation 2169152 (VCV002169152.6), dbSNP rs563939639, ClinGen allele CA5161457.
Genomic context (GRCh38, chr9:101,425,049, plus strand): 5'-TGAGGTTGAGAGTGGCATCCTCTTCACTCATGCCACCAGACAAAAAGCAGATGCCTGGTA[G>A]GAGAGAAGCCATTTCACTCTATTAGTCCCACCTTATATACCCTGCTTGAGAAAGCAAGCA-3'